The following is an entry in ClinVar:

NM_000535.7(PMS2):c.2333T>G (p.Phe778Cys)

Gene: PMS2 (PMS1 homolog 2, mismatch repair system component; minus strand). Cytogenetic location: 7p22.1.
Variant type: single nucleotide variant.
Coding change: c.2333T>G on transcript NM_000535.7 (MANE Select); coding-DNA position 2333, T replaced by G.
Protein change: p.Phe778Cys; replaces phenylalanine 778 with cysteine.
Molecular consequence: missense variant. On other transcripts: non-coding transcript variant (1).
Genome position (GRCh38, 1-based): chr7:5,977,700, A>C on the plus strand (T>G on the coding strand, the complement: PMS2 is on the minus strand). VCF-style: chr7-5977700-A-C. GRCh37 (hg19) VCF-style: chr7-6017331-A-C.
Other names: c.1928T>G, p.Phe643Cys (NM_001322003.2, NM_001322004.2, NM_001322005.2 and 11 more transcripts); c.2177T>G, p.Phe726Cys (NM_001322006.2); c.2015T>G, p.Phe672Cys (NM_001322007.2, NM_001322008.2, NM_001406883.1); c.1961T>G, p.Phe654Cys (NM_001322009.2, NM_001406887.1, NM_001406888.1); c.1772T>G, p.Phe591Cys (NM_001322010.2, NM_001406906.1, NM_001406907.1); c.1400T>G, p.Phe467Cys (NM_001322011.2, NM_001322012.2); c.1760T>G, p.Phe587Cys (NM_001322013.2, NM_001406908.1, NM_001406909.1); c.2366T>G, p.Phe789Cys (NM_001322014.2); and 20 more; short protein forms F467C, F607C, F643C, F654C, F742C, F591C, F623C, F656C.
Identifiers: ClinVar variation 3890980 (VCV003890980.1).
Genomic context (GRCh38, chr7:5,977,700, plus strand): 5'-CACATGACCCCAGGGCTGTCGCTCAGCATGAAGATCAGTTCATCGACGTCCTGGGGTCCG[A>C]AGGTCCAGTTTTTACTAGTTGGCAAGGAAATCAGTTTAGCCCTTTCAGTGACTGGAGCTA-3'
Protein context (NP_000526.2, residues 768-788): ISLPTSKNWT[Phe778Cys]GPQDVDELIF

ClinVar aggregate classification (germline): Uncertain significance (1 of 4 stars; one submission).

Conditions:
Hereditary cancer-predisposing syndrome. Also called: Tumor predisposition; Neoplastic Syndromes, Hereditary; Hereditary Cancer Syndrome; Hereditary neoplastic syndrome. Identifiers: Orphanet 140162, MedGen C0027672, MeSH D009386, MONDO:0015356.

Submission:

Ambry Genetics
Classification: Uncertain significance for Hereditary cancer-predisposing syndrome. Last evaluated: 2025-01-08. Review status: criteria provided, single submitter. Criteria: Ambry Variant Classification Scheme 2023. Collection method: clinical testing. Allele origin: germline.
Comment: The p.F778C variant (also known as c.2333T>G), located in coding exon 14 of the PMS2 gene, results from a T to G substitution at nucleotide position 2333. The phenylalanine at codon 778 is replaced by cysteine, an amino acid with highly dissimilar properties. This amino acid position is conserved. In addition, this alteration is predicted to be deleterious by in silico analysis. Based on the available evidence, the clinical significance of this variant remains unclear.